The following is an entry in ClinVar:

ClinVar aggregate classification (germline): Conflicting classifications of pathogenicity. Review status: criteria provided, conflicting classifications (1 of 4 stars). 5 submissions from 4 submitters: Uncertain significance (2); Likely benign (2). 1 of the submissions does not count toward it. Last evaluated 2026-01-27.

Conditions:
Mitochondrial trifunctional protein deficiency. Identifiers: Orphanet 746, MedGen C1969443, MONDO:0012172.
Long chain 3-hydroxyacyl-CoA dehydrogenase deficiency. Also called: Deficiency of long-chain 3-hydroxyacyl-coenzyme A dehydrogenase; LCHAD Deficiency. Identifiers: Orphanet 5, MedGen C3711645, MONDO:0012173, OMIM 609016.

Allele frequency attached by ClinVar (database versions not stated): ExAC 0.00001; gnomAD 0.00002; TOPMed 0.00002; gnomAD exomes 0.00003; ESP Exome Variant Server 0.00015.
gnomAD v4.1: 59 of 1,613,786 alleles (0.0037%); highest among the groups gnomAD compares: Admixed American, 0.005%; no homozygotes.

Submissions (5):

Labcorp Genetics (formerly Invitae), Labcorp
Classification: Likely benign for Mitochondrial trifunctional protein deficiency; Long chain 3-hydroxyacyl-CoA dehydrogenase deficiency. Last evaluated: 2026-01-27. Review status: criteria provided, single submitter. Criteria: Invitae Variant Classification Sherloc (09022015). Collection method: clinical testing. Allele origin: germline.

Mayo Clinic Laboratories, Mayo Clinic
Classification: Likely benign. Last evaluated: 2025-01-02. Review status: criteria provided, single submitter. Criteria: ACMG Guidelines, 2015. Collection method: clinical testing. Allele origin: germline. Observed: 1 variant allele.
Comment: BP4, BP7

Illumina Laboratory Services, Illumina
Classification: Uncertain significance for Long chain 3-hydroxyacyl-CoA dehydrogenase deficiency. Last evaluated: 2018-01-12. Review status: criteria provided, single submitter. Criteria: ICSL Variant Classification Criteria 13 December 2019. Collection method: clinical testing. Allele origin: germline.

Illumina Laboratory Services, Illumina
Classification: Uncertain significance for Mitochondrial trifunctional protein deficiency 1. Last evaluated: 2018-01-12. Review status: criteria provided, single submitter. Criteria: ICSL Variant Classification Criteria 13 December 2019. Collection method: clinical testing. Allele origin: germline.

Natera, Inc.
Classification: Likely benign for Deficiency of long-chain 3-hydroxyacyl-coenzyme A dehydrogenase. Last evaluated: 2021-05-10. Review status: no assertion criteria provided. Collection method: clinical testing. Allele origin: germline. Not counted in ClinVar's aggregate classification.

NM_000182.5(HADHA):c.1794T>C (p.His598=)

Genes: GAREM2 (GRB2 associated regulator of MAPK1 subtype 2; plus strand), HADHA (hydroxyacyl-CoA dehydrogenase trifunctional multienzyme complex subunit alpha; minus strand). Cytogenetic location: 2p23.3.
Variant type: single nucleotide variant.
Coding change: c.1794T>C on transcript NM_000182.5 (MANE Select); coding-DNA position 1794, T replaced by C.
Protein change: p.His598=; no amino-acid change (histidine 598 retained).
Molecular consequence: synonymous variant.
Genome position (GRCh38, 1-based): chr2:26,193,668, A>G on the plus strand (T>C on the coding strand, the complement: HADHA is on the minus strand). VCF-style: chr2-26193668-A-G. GRCh37 (hg19) VCF-style: chr2-26416537-A-G.
Other names: p.His598=.
Identifiers: ClinVar variation 335377 (VCV000335377.20), dbSNP rs149021400, ClinGen allele CA1559456.